The following is an entry in ClinVar:

NM_001903.5(CTNNA1):c.2011-18T>C

Gene: CTNNA1 (catenin alpha 1; plus strand). Cytogenetic location: 5q31.2.
Variant type: single nucleotide variant.
Coding change: c.2011-18T>C on transcript NM_001903.5 (MANE Select); 18 bases into the intron before coding-DNA position 2011, T replaced by C.
Molecular consequence: intron variant.
Genome position (GRCh38, 1-based): chr5:138,930,455, T>C. VCF-style: chr5-138930455-T-C. GRCh37 (hg19) VCF-style: chr5-138266144-T-C.
Other names: c.2011-18T>C (NM_001323984.2, NM_001290307.3, NM_001323983.1 and 2 more transcripts); c.901-18T>C (NM_001323996.1, NM_001323993.1, NM_001324005.1 and 17 more transcripts); c.1918-18T>C (NM_001323986.2); c.1642-18T>C (NM_001290310.3); c.1702-18T>C (NM_001290309.3); c.562-18T>C (NM_001324007.1, NM_001324009.1, NM_001324006.1 and 2 more transcripts); c.658-18T>C (NM_001324013.1, NM_001324012.1); c.808-18T>C (NM_001324011.1).
Identifiers: ClinVar variation 3672012 (VCV003672012.3).

ClinVar aggregate classification (germline): Likely benign. Review status: criteria provided, multiple submitters, no conflicts (2 of 4 stars). 2 submissions from 2 submitters: Likely benign (2). Last evaluated 2025-01-02.

Conditions:
Hereditary diffuse gastric adenocarcinoma (HDGC). Also called: DIFFUSE GASTRIC AND LOBULAR BREAST CANCER SYNDROME. Identifiers: Orphanet 26106, MedGen C1708349, MONDO:0007648, OMIM 137215.

gnomAD v4.1: 3 of 1,591,654 alleles (0.00019%); highest among the groups gnomAD compares: Admixed American, 0.0018%; no homozygotes.

Submissions (2):

Labcorp Genetics (formerly Invitae), Labcorp
Classification: Likely benign. Last evaluated: 2025-01-02. Review status: criteria provided, single submitter. Criteria: Invitae Variant Classification Sherloc (09022015). Collection method: clinical testing. Allele origin: germline.

Myriad Genetics, Inc.
Classification: Likely benign for Hereditary diffuse gastric adenocarcinoma. Last evaluated: 2024-10-14. Review status: criteria provided, single submitter. Criteria: Myriad Autosomal Dominant, Autosomal Recessive and X-Linked Classification Criteria (2023). Collection method: clinical testing. Allele origin: unknown.
Comment: This variant is considered likely benign. This variant is intronic and is not expected to impact mRNA splicing.